The following is an entry in ClinVar:

NM_001267550.2(TTN):c.26762-39TTTGT[11]

Gene: TTN (titin; minus strand). Cytogenetic location: 2q31.2.
Variant type: Microsatellite.
Coding change: c.26762-39TTTGT[11] on transcript NM_001267550.2 (MANE Select); 11 copies in a row of the 5-base unit TTTGT starting at c.26762-39; the reference has six copies in a row; five copies, 25 bases duplicated.
Molecular consequence: intron variant.
Genome position (GRCh38, 1-based): chr2:178,713,382-178,713,406, ACAAAACAAAACAAAACAAAACAAA duplicated on the plus strand (TTTGTTTTGTTTTGTTTTGTTTTGT on the coding strand, the reverse complement: TTN is on the minus strand); duplicating any 25 consecutive bases within chr2:178,713,382-178,713,412 gives the same sequence; the position shown is the placement nearest the transcript's 3' end. VCF-style (leftmost placement, unchanged base first): chr2-178713381-T-TACAAAACAAAACAAAACAAAACAAA. GRCh37 (hg19) VCF-style: chr2-179578108-T-TACAAAACAAAACAAAACAAAACAAA.
Other names: p.?; c.26762-34_26762-10dup (NM_001267550.2); c.26762-34_26762-10dupTTTGTTTTGTTTTGTTTTGTTTTGT (NM_001267550.2); c.26762-34_26762-10dup25 (NM_001267550.2); c.23030-34_23030-10dupTTTGTTTTGTTTTGTTTTGTTTTGT (NM_133378.4); c.23030-34_23030-10dup25 (NM_133378.4); c.13282+24671TTTGT[11] (NM_003319.4); c.13858+24671TTTGT[11] (NM_133437.4); and 4 more.
Identifiers: ClinVar variation 96274 (VCV000096274.31), dbSNP rs71393436, ClinGen allele CA223912.

ClinVar aggregate classification (germline): Benign. Review status: criteria provided, multiple submitters, no conflicts (2 of 4 stars). 11 submissions from 11 submitters: Benign (7). 4 of the submissions do not count toward it. Last evaluated 2026-09-21.

Conditions:
TTN-related disorder. Also called: TTN-related condition; TTN-related disease; TTN-related disorders.
Autosomal recessive limb-girdle muscular dystrophy type 2J (LGMDR10). Also called: Limb-girdle muscular dystrophy, type 2J; MUSCULAR DYSTROPHY, LIMB-GIRDLE, AUTOSOMAL RECESSIVE 10. Identifiers: Orphanet 140922, MedGen C1837342, MONDO:0012127, OMIM 608807.
Dilated cardiomyopathy 1G (CMD1G). Identifiers: Orphanet 154, MedGen C1858763, MONDO:0011400, OMIM 604145.

Submissions (11):

Molecular Diagnostic Laboratory for Inherited Cardiovascular Disease, Montreal Heart Institute
Classification: Benign. Last evaluated: 2026-09-21. Review status: criteria provided, single submitter. Criteria: ACMG Guidelines, 2015. Collection method: clinical testing. Allele origin: germline. Affected: no.

Labcorp Genetics (formerly Invitae), Labcorp
Classification: Benign for Dilated cardiomyopathy 1G; Autosomal recessive limb-girdle muscular dystrophy type 2J. Last evaluated: 2026-02-04. Review status: criteria provided, single submitter. Criteria: Invitae Variant Classification Sherloc (09022015). Collection method: clinical testing. Allele origin: germline.

Blueprint Genetics
Classification: Benign. Last evaluated: 2024-11-25. Review status: criteria provided, single submitter. Criteria: ACMG Guidelines, 2015. Collection method: clinical testing. Allele origin: germline.

Mayo Clinic Laboratories, Mayo Clinic
Classification: Benign. Last evaluated: 2023-05-22. Review status: criteria provided, single submitter. Criteria: ACMG Guidelines, 2015. Collection method: clinical testing. Allele origin: germline. Observed: 28 variant alleles.

Women's Health and Genetics/Laboratory Corporation of America, LabCorp
Classification: Benign. Last evaluated: 2020-01-11. Review status: criteria provided, single submitter. Criteria: LabCorp Variant Classification Summary - May 2015. Collection method: clinical testing. Allele origin: germline.

GeneDx
Classification: Benign. Last evaluated: 2018-05-21. Review status: criteria provided, single submitter. Criteria: GeneDx Variant Classification Process June 2021. Collection method: clinical testing. Allele origin: germline. Affected: yes.

Laboratory for Molecular Medicine, Mass General Brigham Personalized Medicine
Classification: Benign. Last evaluated: 2015-04-23. Review status: criteria provided, single submitter. Criteria: LMM Criteria. Collection method: clinical testing. Allele origin: germline. Observed: 8 variant alleles.
Comment: c.23030-39_23030-35[11] in intron 89 of TTN: This variant is part of a 5 bp repe at (TTTGT) and adds 5 repeat units to 6 present in the reference sequence. It is not expected to have clinical significance because it has been identified in 13 .5% (73/540) of East Asian chromosomes and 4.2% (70/1672) of Finnish chromosomes by the Exome Aggregation Consortium (ExAC).

PreventionGenetics, part of Exact Sciences
Classification: Benign for TTN-related condition. Last evaluated: 2019-08-07. Review status: no assertion criteria provided. Collection method: clinical testing. Allele origin: germline. Not counted in ClinVar's aggregate classification.
Comment: This variant is classified as benign based on ACMG/AMP sequence variant interpretation guidelines (Richards et al. 2015 PMID: 25741868, with internal and published modifications).

Eurofins Ntd Llc (ga)
Classification: Uncertain significance. Last evaluated: 2013-07-23. Review status: no assertion criteria provided. Collection method: clinical testing. Allele origin: germline. Observed: 3 variant alleles, 3 heterozygotes. Not counted in ClinVar's aggregate classification.

Clinical Genetics, Academic Medical Center
Classification: Benign. Review status: no assertion criteria provided. Collection method: clinical testing. Allele origin: germline. Affected: yes. Study: VKGL Data-share Consensus. Not counted in ClinVar's aggregate classification.

Laboratory of Diagnostic Genome Analysis, Leiden University Medical Center (LUMC)
Classification: Likely benign. Review status: no assertion criteria provided. Collection method: clinical testing. Allele origin: germline. Affected: yes. Study: VKGL Data-share Consensus. Not counted in ClinVar's aggregate classification.

Literature cited by the submitters: PubMed 23757202 (cited by Eurofins Ntd Llc (ga)).